The following is an entry in ClinVar:

ClinVar aggregate classification (germline): Uncertain significance (1 of 4 stars; one submission).

Allele frequency attached by ClinVar (database versions not stated): 1000 Genomes Project 30x 0.00016; 1000 Genomes Project 0.00020.

Submission:

GeneDx
Classification: Uncertain significance. Last evaluated: 2025-08-04. Review status: criteria provided, single submitter. Criteria: GeneDx Variant Classification Process June 2021. Collection method: clinical testing. Allele origin: germline. Affected: yes.
Comment: Not observed at significant frequency in large population cohorts (gnomAD); In silico analysis supports that this missense variant has a deleterious effect on protein structure/function; Has not been previously published as pathogenic or benign to our knowledge

NM_019066.5(MAGEL2):c.3190C>G (p.Arg1064Gly)

Gene: MAGEL2 (MAGE family member L2; minus strand). Cytogenetic location: 15q11.2.
Variant type: single nucleotide variant.
Coding change: c.3190C>G on transcript NM_019066.5 (MANE Select); coding-DNA position 3190, C replaced by G.
Protein change: p.Arg1064Gly; replaces arginine 1064 with glycine.
Molecular consequence: missense variant.
Genome position (GRCh38, 1-based): chr15:23,644,553, G>C on the plus strand (C>G on the coding strand, the complement: MAGEL2 is on the minus strand). VCF-style: chr15-23644553-G-C. GRCh37 (hg19) VCF-style: chr15-23889700-G-C.
Other names: short protein forms R1064G.
Identifiers: ClinVar variation 2574810 (VCV002574810.2), dbSNP rs551493054, ClinGen allele CA267657998.